The following is an entry in ClinVar:

ClinVar aggregate classification (germline): Uncertain significance (1 of 4 stars; one submission).

gnomAD v4.1: 3 of 1,613,888 alleles (0.00019%); highest among the groups gnomAD compares: South Asian, 0.0033%; no homozygotes.

Submission:

Labcorp Genetics (formerly Invitae), Labcorp
Classification: Uncertain significance. Last evaluated: 2025-10-01. Review status: criteria provided, single submitter. Criteria: Invitae Variant Classification Sherloc (09022015). Collection method: clinical testing. Allele origin: germline.
Comment: This sequence change replaces aspartic acid, which is acidic and polar, with glutamic acid, which is acidic and polar, at codon 173 of the FBLN1 protein (p.Asp173Glu). This variant is not present in population databases (gnomAD no frequency). This variant has not been reported in the literature in individuals affected with FBLN1-related conditions. An algorithm developed to predict the effect of missense changes on protein structure and function (PolyPhen-2) suggests that this variant is likely to be disruptive. In summary, the available evidence is currently insufficient to determine the role of this variant in disease. Therefore, it has been classified as a Variant of Uncertain Significance.

NM_006486.3(FBLN1):c.519C>G (p.Asp173Glu)

Gene: FBLN1 (fibulin 1; plus strand). Cytogenetic location: 22q13.31.
Variant type: single nucleotide variant.
Coding change: c.519C>G on transcript NM_006486.3 (MANE Select); coding-DNA position 519, C replaced by G.
Protein change: p.Asp173Glu; replaces aspartic acid 173 with glutamic acid.
Molecular consequence: missense variant.
Genome position (GRCh38, 1-based): chr22:45,531,299, C>G. VCF-style: chr22-45531299-C-G. GRCh37 (hg19) VCF-style: chr22-45927179-C-G.
Other names: c.519C>G, p.Asp173Glu (NM_001996.4, NM_006485.4, NM_006487.3); short protein forms D173E.
Identifiers: ClinVar variation 4767623 (VCV004767623.1).